The following is an entry in ClinVar:

NM_001457.4(FLNB):c.1711G>A (p.Val571Met)

Gene: FLNB (filamin B; plus strand). Cytogenetic location: 3p14.3.
Variant type: single nucleotide variant.
Coding change: c.1711G>A on transcript NM_001457.4 (MANE Select); coding-DNA position 1711, G replaced by A.
Protein change: p.Val571Met; replaces valine 571 with methionine.
Molecular consequence: missense variant.
Genome position (GRCh38, 1-based): chr3:58,105,180, G>A. VCF-style: chr3-58105180-G-A. GRCh37 (hg19) VCF-style: chr3-58090907-G-A.
Other names: c.1711G>A (NM_001457.3); c.1711G>A, p.Val571Met (NM_001164317.2, NM_001164318.2, NM_001164319.2); short protein forms V571M.
Identifiers: ClinVar variation 1428418 (VCV001428418.11), dbSNP rs760127618, ClinGen allele CA2467908.

ClinVar aggregate classification (germline): Conflicting classifications of pathogenicity. Review status: criteria provided, conflicting classifications (1 of 4 stars). 3 submissions from 3 submitters: Uncertain significance (2); Likely benign (1). Last evaluated 2025-09-20.

gnomAD v4.1: 36 of 1,614,218 alleles (0.0022%); highest among the groups gnomAD compares: South Asian, 0.024%; no homozygotes.

Submissions (3):

Labcorp Genetics (formerly Invitae), Labcorp
Classification: Likely benign. Last evaluated: 2025-09-20. Review status: criteria provided, single submitter. Criteria: Invitae Variant Classification Sherloc (09022015). Collection method: clinical testing. Allele origin: germline.

GeneDx
Classification: Uncertain significance. Last evaluated: 2025-03-26. Review status: criteria provided, single submitter. Criteria: GeneDx Variant Classification Process June 2021. Collection method: clinical testing. Allele origin: germline. Affected: yes.
Comment: In silico analysis indicates that this missense variant does not alter protein structure/function; Has not been previously published as pathogenic or benign to our knowledge

Revvity Omics, Revvity
Classification: Uncertain significance. Last evaluated: 2019-11-15. Review status: criteria provided, single submitter. Criteria: ACMG Guidelines, 2015. Collection method: clinical testing. Allele origin: germline.